The following is an entry in ClinVar:

ClinVar aggregate classification (germline): Pathogenic (1 of 4 stars; one submission).

Conditions:
Myopathy, myofibrillar, 9, with early respiratory failure (MFM9). Also called: MYOPATHY, PROXIMAL, WITH EARLY RESPIRATORY MUSCLE INVOLVEMENT; Hereditary myopathy with early respiratory failure; Myopathy, distal, with early respiratory failure, autosomal dominant; EDSTROM MYOPATHY. Identifiers: Orphanet 178464, Orphanet 34521, MedGen C1863599, MONDO:0011362, OMIM 603689.
Dilated cardiomyopathy 1G (CMD1G). Identifiers: Orphanet 154, MedGen C1858763, MONDO:0011400, OMIM 604145.
Early-onset myopathy with fatal cardiomyopathy (CMYO5). Also called: Salih Myopathy; CONGENITAL MYOPATHY 5 WITH CARDIOMYOPATHY. Identifiers: Orphanet 289377, MedGen C2673677, MONDO:0012714, OMIM 611705. Disease mechanism: loss of function.
Tibial muscular dystrophy (TMD). Also called: Udd Distal Myopathy – Tibial Muscular Dystrophy; Tibial muscular dystrophy, tardive; UDD MYOPATHY. Identifiers: Orphanet 609, MedGen C1838244, MONDO:0010870, OMIM 600334.
Hypertrophic cardiomyopathy 9. Also called: Familial hypertrophic cardiomyopathy 9. Identifiers: MedGen C1861065, MONDO:0013412, OMIM 613765.
Autosomal recessive limb-girdle muscular dystrophy type 2J (LGMDR10). Also called: Limb-girdle muscular dystrophy, type 2J; MUSCULAR DYSTROPHY, LIMB-GIRDLE, AUTOSOMAL RECESSIVE 10. Identifiers: Orphanet 140922, MedGen C1837342, MONDO:0012127, OMIM 608807.

Submission:

Juno Genomics, Hangzhou Juno Genomics, Inc
Classification: Pathogenic for Early-onset myopathy with fatal cardiomyopathy; Hypertrophic cardiomyopathy 9; Myopathy, myofibrillar, 9, with early respiratory failure; Tibial muscular dystrophy; Dilated cardiomyopathy 1G; Autosomal recessive limb-girdle muscular dystrophy type 2J. Review status: criteria provided, single submitter. Criteria: ACMG Guidelines, 2015. Collection method: clinical testing. Allele origin: germline.
Comment: Absent from controls (or at extremely low frequency if recessive) in Genome Aggregation Database.;Null variant in a gene where loss of function (LOF) is a known mechanism of disease.;For recessive disorders, detected in trans with a pathogenic variant.;Patient's phenotype or family history is highly specific for a disease with a single genetic etiology.

NM_001267550.2(TTN):c.74272C>T (p.Gln24758Ter)

Genes: TTN (titin; minus strand), TTN-AS1 (TTN antisense RNA 1; plus strand). Cytogenetic location: 2q31.2.
Variant type: single nucleotide variant.
Coding change: c.74272C>T on transcript NM_001267550.2 (MANE Select); coding-DNA position 74272, C replaced by T.
Protein change: p.Gln24758Ter; replaces glutamine 24758 with a stop codon.
Molecular consequence: nonsense.
Genome position (GRCh38, 1-based): chr2:178,571,860, G>A on the plus strand (C>T on the coding strand, the complement: TTN is on the minus strand). VCF-style: chr2-178571860-G-A. GRCh37 (hg19) VCF-style: chr2-179436587-G-A.
Other names: c.47653C>T, p.Gln15885Ter (NM_133437.4); c.69349C>T, p.Gln23117Ter (NM_001256850.1); c.47077C>T, p.Gln15693Ter (NM_003319.4); c.66568C>T, p.Gln22190Ter (NM_133378.4); c.47452C>T, p.Gln15818Ter (NM_133432.3); short protein forms Q15693*, Q15818*, Q15885*, Q22190*, Q23117*, Q24758*.
Identifiers: ClinVar variation 5019501 (VCV005019501.2).